The following is an entry in ClinVar:

ClinVar aggregate classification (germline): Uncertain significance (1 of 4 stars; one submission).

Conditions:
Hyper-IgM syndrome type 1. Also called: Hyper-IgM Immunodeficiency Syndrome, Type 1; CD40 Ligand Deficiency; X-linked hyper-IgM syndrome; Immunodeficiency, X-linked, with hyper-IgM. Identifiers: Orphanet 101088, MedGen C0398689, MONDO:0010626, OMIM 308230.

gnomAD v4.1: 3 of 1,210,222 alleles (0.00025%); highest among the groups gnomAD compares: South Asian, 0.0018%; no homozygotes.

Submission:

Labcorp Genetics (formerly Invitae), Labcorp
Classification: Uncertain significance for Hyper-IgM syndrome type 1. Last evaluated: 2024-02-09. Review status: criteria provided, single submitter. Criteria: Invitae Variant Classification Sherloc (09022015). Collection method: clinical testing. Allele origin: germline.
Comment: This sequence change replaces tyrosine, which is neutral and polar, with histidine, which is basic and polar, at codon 145 of the CD40LG protein (p.Tyr145His). This variant is present in population databases (rs762639528, gnomAD 0.02%). This variant has not been reported in the literature in individuals affected with CD40LG-related conditions. Advanced modeling of protein sequence and biophysical properties (such as structural, functional, and spatial information, amino acid conservation, physicochemical variation, residue mobility, and thermodynamic stability) performed at Invitae indicates that this missense variant is expected to disrupt CD40LG protein function with a positive predictive value of 80%. In summary, the available evidence is currently insufficient to determine the role of this variant in disease. Therefore, it has been classified as a Variant of Uncertain Significance.

NM_000074.3(CD40LG):c.433T>C (p.Tyr145His)

Gene: CD40LG (CD40 ligand; plus strand). Cytogenetic location: Xq26.3.
Variant type: single nucleotide variant.
Coding change: c.433T>C on transcript NM_000074.3 (MANE Select); coding-DNA position 433, T replaced by C.
Protein change: p.Tyr145His; replaces tyrosine 145 with histidine.
Molecular consequence: missense variant.
Genome position (GRCh38, 1-based): chrX:136,659,062, T>C. VCF-style: chrX-136659062-T-C. GRCh37 (hg19) VCF-style: chrX-135741221-T-C.
Other names: short protein forms Y145H.
Identifiers: ClinVar variation 3638456 (VCV003638456.2).